The following is an entry in ClinVar:

NR_023343.3(RNU4ATAC):n.18G>C

Genes: CLASP1 (cytoplasmic linker associated protein 1; minus strand), CLASP1-AS1 (CLASP1 antisense RNA 1; plus strand), RNU4ATAC (RNA, U4atac small nuclear; plus strand). Cytogenetic location: 2q14.2.
Variant type: single nucleotide variant.
Molecular consequence: non-coding transcript variant (on NR_023343.3). On other transcripts: intron variant (8).
Genome position: GRCh38 VCF-style: chr2-121530897-G-C. GRCh37 (hg19) VCF-style: chr2-122288473-G-C.
Other names: NM_001395891.1:c.196-572C>G; c.196-572C>G (NM_001207051.2, NM_001378005.1, NM_001142274.2 and 5 more transcripts).
Identifiers: ClinVar variation 4082368 (VCV004082368.3).

ClinVar aggregate classification (germline): Conflicting classifications of pathogenicity. Review status: criteria provided, conflicting classifications (1 of 4 stars). 3 submissions from 3 submitters: Likely pathogenic (1); Uncertain significance (2). Last evaluated 2026-01-15.

Conditions:
RNU4ATAC-related disorder. Also called: RNU4ATAC-related condition.
RNU4ATAC spectrum disorder. Also called: RNU4atac-opathy. Identifiers: MedGen CN377746, MONDO:0100558.

Submissions (3):

Labcorp Genetics (formerly Invitae), Labcorp
Classification: Uncertain significance. Last evaluated: 2026-01-15. Review status: criteria provided, single submitter. Criteria: Invitae Variant Classification Sherloc (09022015). Collection method: clinical testing. Allele origin: germline.
Comment: This variant occurs in the RNU4ATAC gene, which encodes an RNA molecule that does not result in a protein product. This variant is not present in population databases (gnomAD no frequency). This variant has been observed in individual(s) with clinical features of Roifman syndrome (internal data). In at least one individual the data is consistent with being in trans (on the opposite chromosome) from a pathogenic variant. Experimental studies and prediction algorithms are not available or were not evaluated, and the functional significance of this variant is currently unknown. In summary, the available evidence is currently insufficient to determine the role of this variant in disease. Therefore, it has been classified as a Variant of Uncertain Significance.

Broad Center for Mendelian Genomics, Broad Institute of MIT and Harvard
Classification: Uncertain significance for RNU4ATAC spectrum disorder. Last evaluated: 2025-08-25. Review status: criteria provided, single submitter. Criteria: Ellingford et al. (Genome Med. 2022). Collection method: curation. Allele origin: germline. Inheritance: Autosomal recessive inheritance.
Comment: The phase of these variants is unknown at this time. The n.18G>C variant in RNU4ATAC has not been previously reported in the literature in individuals with RNU4ATAC spectrum disorder and this variant was absent from large population studies. The n.18G>C variant is located in the Stem II Loop region of RNU4ATAC where several other variants have been identified, suggesting that this variant is in a functional domain and supports pathogenicity (PMID: 26522830, 32628740). In summary, while there is some suspicion for a pathogenic role, the clinical significance of this variant is uncertain. ACMG/AMP Criteria applied: PM1, PM2_supporting, PM3_supporting (Richards 2015).

Blueprint Genetics
Classification: Likely pathogenic for RNU4ATAC-related disorders. Last evaluated: 2019-02-09. Review status: criteria provided, single submitter. Criteria: ACMG Guidelines, 2015. Collection method: clinical testing. Allele origin: germline. Affected: yes. Observed: 2 variant alleles.